The following is an entry in ClinVar:

ClinVar aggregate classification (germline): Pathogenic. Review status: reviewed by expert panel (3 of 4 stars). 3 submissions from 3 submitters: Pathogenic (1). 2 of the submissions do not count toward it. Last evaluated 2016-09-08.

Conditions:
Breast-ovarian cancer, familial, susceptibility to, 2 (BROVCA2). Also called: BRCA2 Hereditary Breast and Ovarian Cancer. Identifiers: Orphanet 145, MedGen C2675520, MONDO:0012933, OMIM 612555. Disease mechanism: loss of function.
Hereditary cancer-predisposing syndrome. Also called: Neoplastic Syndromes, Hereditary; Tumor predisposition; Hereditary Cancer Syndrome; Hereditary neoplastic syndrome. Identifiers: Orphanet 140162, MedGen C0027672, MeSH D009386, MONDO:0015356.

Submissions (3):

Evidence-based Network for the Interpretation of Germline Mutant Alleles (ENIGMA)
Classification: Pathogenic for Breast-ovarian cancer, familial, susceptibility to, 2. Last evaluated: 2016-09-08. Review status: reviewed by expert panel. Criteria: ENIGMA BRCA1/2 Classification Criteria (2015). Collection method: curation. Allele origin: germline.
Comment: Variant allele predicted to encode a truncated non-functional protein.

Ambry Genetics
Classification: Pathogenic for Hereditary cancer-predisposing syndrome. Last evaluated: 2024-03-29. Review status: criteria provided, single submitter. Criteria: Ambry Variant Classification Scheme 2023. Collection method: clinical testing. Allele origin: germline. Not counted in ClinVar's aggregate classification.
Comment: The c.151delG pathogenic mutation, located in coding exon 2 of the BRCA2 gene, results from a deletion of one nucleotide at nucleotide position 151, causing a translational frameshift with a predicted alternate stop codon (p.E51Nfs*29). This mutation has previously been reported in a family affected with both male and female breast cancer (Tai YC et al. J Natl Cancer Inst. 2007 Dec 5;99(23):1811-4). In addition to the clinical data presented in the literature, this alteration is expected to result in loss of function by premature protein truncation or nonsense-mediated mRNA decay. As such, this alteration is interpreted as a disease-causing mutation.

Breast Cancer Information Core (BIC) (BRCA2)
Classification: Pathogenic for Breast-ovarian cancer, familial 2. Last evaluated: 2004-02-20. Review status: no assertion criteria provided. Collection method: clinical testing. Allele origin: germline. Affected: yes. Observed: 2 variant alleles. Not counted in ClinVar's aggregate classification.

NM_000059.4(BRCA2):c.151del (p.Glu51fs)

Gene: BRCA2 (BRCA2 DNA repair associated; plus strand). Cytogenetic location: 13q13.1.
Variant type: Deletion.
Coding change: c.151del on transcript NM_000059.4 (MANE Select); coding-DNA position 151, one base deleted (G; older notation c.151delG).
Protein change: p.Glu51fs; shifts the reading frame from glutamic acid 51.
Molecular consequence: frameshift variant.
Genome position (GRCh38, 1-based): chr13:32,319,160, G deleted. VCF-style (leftmost placement, unchanged base first): chr13-32319159-TG-T. GRCh37 (hg19) VCF-style: chr13-32893296-TG-T.
Other names: 379delG; c.151delG (NM_000059.3); short protein forms E51fs.
Identifiers: ClinVar variation 51138 (VCV000051138.7), dbSNP rs80359287, ClinGen allele CA012299.